The following is an entry in ClinVar:

ClinVar aggregate classification (germline): Uncertain significance (1 of 4 stars; one submission).

Allele frequency attached by ClinVar (database versions not stated): gnomAD exomes 0.00001.
gnomAD v4.1: 3 of 1,613,152 alleles (0.00019%); highest among the groups gnomAD compares: South Asian, 0.0033%; no homozygotes.

Submission:

Labcorp Genetics (formerly Invitae), Labcorp
Classification: Uncertain significance. Last evaluated: 2023-05-25. Review status: criteria provided, single submitter. Criteria: Invitae Variant Classification Sherloc (09022015). Collection method: clinical testing. Allele origin: germline.
Comment: Advanced modeling of protein sequence and biophysical properties (such as structural, functional, and spatial information, amino acid conservation, physicochemical variation, residue mobility, and thermodynamic stability) performed at Invitae indicates that this missense variant is not expected to disrupt KMT2A protein function. This variant has not been reported in the literature in individuals affected with KMT2A-related conditions. This variant is not present in population databases (gnomAD no frequency). This sequence change replaces proline, which is neutral and non-polar, with alanine, which is neutral and non-polar, at codon 3648 of the KMT2A protein (p.Pro3648Ala). In summary, the available evidence is currently insufficient to determine the role of this variant in disease. Therefore, it has been classified as a Variant of Uncertain Significance.

NM_001197104.2(KMT2A):c.10942C>G (p.Pro3648Ala)

Gene: KMT2A (lysine methyltransferase 2A; plus strand). Cytogenetic location: 11q23.3.
Variant type: single nucleotide variant.
Coding change: c.10942C>G on transcript NM_001197104.2 (MANE Select); coding-DNA position 10942, C replaced by G.
Protein change: p.Pro3648Ala; replaces proline 3648 with alanine.
Molecular consequence: missense variant.
Genome position (GRCh38, 1-based): chr11:118,509,989, C>G. VCF-style: chr11-118509989-C-G. GRCh37 (hg19) VCF-style: chr11-118380704-C-G.
Other names: c.11032C>G, p.Pro3678Ala (NM_001412597.1); c.10933C>G, p.Pro3645Ala (NM_005933.4); short protein forms P3648A, P3678A, P3645A.
Identifiers: ClinVar variation 2724030 (VCV002724030.3), dbSNP rs2134431005, ClinGen allele CA382829736.